The following is an entry in ClinVar:

NM_001267550.2(TTN):c.76778T>A (p.Phe25593Tyr)

Genes: TTN (titin; minus strand), TTN-AS1 (TTN antisense RNA 1; plus strand). Cytogenetic location: 2q31.2.
Variant type: single nucleotide variant.
Coding change: c.76778T>A on transcript NM_001267550.2 (MANE Select); coding-DNA position 76778, T replaced by A.
Protein change: p.Phe25593Tyr; replaces phenylalanine 25593 with tyrosine.
Molecular consequence: missense variant.
Genome position (GRCh38, 1-based): chr2:178,569,354, A>T on the plus strand (T>A on the coding strand, the complement: TTN is on the minus strand). VCF-style: chr2-178569354-A-T. GRCh37 (hg19) VCF-style: chr2-179434081-A-T.
Other names: p.F23952Y:TTT>TAT; c.71855T>A, p.Phe23952Tyr (NM_001256850.1); c.49583T>A, p.Phe16528Tyr (NM_003319.4); c.69074T>A, p.Phe23025Tyr (NM_133378.4); c.49958T>A, p.Phe16653Tyr (NM_133432.3); c.50159T>A, p.Phe16720Tyr (NM_133437.4); short protein forms F23952Y, F25593Y, F16528Y, F16653Y, F23025Y, F16720Y.
Identifiers: ClinVar variation 202871 (VCV000202871.42), dbSNP rs547186080, ClinGen allele CA310545.

ClinVar aggregate classification (germline): Uncertain significance. Review status: criteria provided, multiple submitters, no conflicts (2 of 4 stars). 2 submissions from 2 submitters: Uncertain significance (2). Last evaluated 2025-07-01.

Allele frequency attached by ClinVar (database versions not stated): gnomAD exomes below 0.00001 and 0.00001; TOPMed below 0.00001; ExAC 0.00001; gnomAD 0.00001.
gnomAD v4.1: 13 of 1,613,324 alleles (0.00081%); highest among the groups gnomAD compares: Non-Finnish European, 0.001%; no homozygotes.

Submissions (2):

CeGaT Center for Human Genetics Tuebingen
Classification: Uncertain significance. Last evaluated: 2025-07-01. Review status: criteria provided, single submitter. Criteria: CeGaT Center For Human Genetics Tuebingen Variant Classification Criteria Version 2. Collection method: clinical testing. Allele origin: germline. Affected: yes. Observed: 2 variant alleles.
Comment: TTN: PM2

GeneDx
Classification: Uncertain significance. Last evaluated: 2019-05-08. Review status: criteria provided, single submitter. Criteria: GeneDx Variant Classification Process June 2021. Collection method: clinical testing. Allele origin: germline. Affected: yes.
Comment: Not observed at a significant frequency in large population cohorts (Lek et al., 2016); Missense variant in a gene in which most reported pathogenic variants are truncating/loss-of-function; Has not been previously published as pathogenic or benign to our knowledge